The following is an entry in ClinVar:

NM_203447.4(DOCK8):c.405-8C>G

Gene: DOCK8 (dedicator of cytokinesis 8; plus strand). Cytogenetic location: 9p24.3.
Variant type: single nucleotide variant.
Coding change: c.405-8C>G on transcript NM_203447.4 (MANE Select); 8 bases into the intron before coding-DNA position 405, C replaced by G.
Molecular consequence: intron variant.
Genome position (GRCh38, 1-based): chr9:304,573, C>G. VCF-style: chr9-304573-C-G. GRCh37 (hg19) VCF-style: chr9-304573-C-G.
Other names: c.201-8C>G (NM_001193536.2, NM_001190458.2).
Identifiers: ClinVar variation 489173 (VCV000489173.10), dbSNP rs748853895, ClinGen allele CA4957236.

ClinVar aggregate classification (germline): Conflicting classifications of pathogenicity. Review status: criteria provided, conflicting classifications (1 of 4 stars). 2 submissions from 2 submitters: Uncertain significance (1); Likely benign (1). Last evaluated 2025-11-25.

Conditions:
Combined immunodeficiency due to DOCK8 deficiency (HIES2). Also called: HYPER-IgE SYNDROME 2, AUTOSOMAL RECESSIVE, WITH RECURRENT INFECTIONS; DOCK8 Deficiency; HIES autosomal recessive; Hyper-IgE recurrent infection syndrome, autosomal recessive; HYPER-IgE RECURRENT INFECTION SYNDROME 2, AUTOSOMAL RECESSIVE. Identifiers: Orphanet 217390, MedGen C4722305, MONDO:0009478, OMIM 243700.

Allele frequency attached by ClinVar (database versions not stated): gnomAD 0.00002; TOPMed 0.00006; ExAC 0.00011; gnomAD exomes 0.00014.
gnomAD v4.1: 41 of 1,613,860 alleles (0.0025%); highest among the groups gnomAD compares: Admixed American, 0.065%; no homozygotes.

Submissions (2):

Labcorp Genetics (formerly Invitae), Labcorp
Classification: Likely benign for Combined immunodeficiency due to DOCK8 deficiency. Last evaluated: 2025-11-25. Review status: criteria provided, single submitter. Criteria: Invitae Variant Classification Sherloc (09022015). Collection method: clinical testing. Allele origin: germline.

GeneDx
Classification: Uncertain significance. Last evaluated: 2017-11-24. Review status: criteria provided, single submitter. Criteria: GeneDx Variant Classification (06012015). Collection method: clinical testing. Allele origin: germline. Affected: yes.
Comment: The c.405-8 C>G variant has not been published as a pathogenic variant, nor has it been reported as a benign variant to our knowledge. The variant is observed in 34/33534 (0.1014%) alleles from individuals of Latino background in large population cohorts (Lek et al., 2016). In silico splice prediction models are uninformative for this variant's effect on the natural splice acceptor site for intron 4. In the absence of RNA/functional studies, the actual effect of this sequence change in this individual is unknown. Therefore, based on the currently available information, it is unclear whether this variant is a pathogenic variant or a rare benign variant.